The following is an entry in ClinVar:

ClinVar aggregate classification (germline): Uncertain significance (1 of 4 stars; one submission).

Conditions:
Short stature due to growth hormone secretagogue receptor deficiency (GHDP). Also called: Short stature due to GHSR deficiency. Identifiers: Orphanet 314811, MedGen C5887324, MONDO:0014403, OMIM 615925.

Submission:

Clinical Genomics Laboratory, Washington University in St. Louis
Classification: Uncertain significance for Short stature due to growth hormone secretagogue receptor deficiency. Last evaluated: 2025-10-21. Review status: criteria provided, single submitter. Criteria: ACMG Guidelines, 2015. Collection method: clinical testing. Allele origin: germline.
Comment: The GHSR c.346dup (p.Cys116Leufs*9) variant, to our knowledge, has not been reported in the medical literature. This variant is absent from the general population (gnomAD v.4.1.0), indicating it is not a common variant. This variant causes a frameshift by duplicating one nucleotide, leading to a premature termination codon, which is predicted to trigger nonsense-mediated decay; however, loss of function is not the known disease mechanism. Due to limited information, and based on ACMG/AMP guidelines for variant interpretation (Richards S et al., PMID: 25741868), the clinical significance of this variant is uncertain at this time.

NM_198407.2(GHSR):c.346dup (p.Cys116fs)

Gene: GHSR (growth hormone secretagogue receptor; minus strand). Cytogenetic location: 3q26.31.
Variant type: Duplication.
Coding change: c.346dup on transcript NM_198407.2 (MANE Select); coding-DNA position 346, one base duplicated (T; older notation c.346dupT).
Protein change: p.Cys116fs; shifts the reading frame from cysteine 116.
Molecular consequence: frameshift variant.
Genome position (GRCh38, 1-based): chr3:172,448,068, A duplicated on the plus strand (T on the coding strand, the reverse complement: GHSR is on the minus strand). VCF-style (leftmost placement, unchanged base first): chr3-172448067-C-CA. GRCh37 (hg19) VCF-style: chr3-172165857-C-CA.
Other names: c.346dup, p.Cys116fs (NM_004122.2); short protein forms C116fs.
Identifiers: ClinVar variation 4879526 (VCV004879526.1).